The following is an entry in ClinVar:

NM_000081.4(LYST):c.8804C>A (p.Ala2935Glu)

Gene: LYST (lysosomal trafficking regulator; minus strand). Cytogenetic location: 1q42.3.
Variant type: single nucleotide variant.
Coding change: c.8804C>A on transcript NM_000081.4 (MANE Select); coding-DNA position 8804, C replaced by A.
Protein change: p.Ala2935Glu; replaces alanine 2935 with glutamic acid.
Molecular consequence: missense variant.
Genome position (GRCh38, 1-based): chr1:235,731,175, G>T on the plus strand (C>A on the coding strand, the complement: LYST is on the minus strand). VCF-style: chr1-235731175-G-T. GRCh37 (hg19) VCF-style: chr1-235894475-G-T.
Other names: c.8804C>A (NM_000081.2); c.8804C>A, p.Ala2935Glu (NM_001301365.1); short protein forms A2935E.
Identifiers: ClinVar variation 2042754 (VCV002042754.3), dbSNP rs1435517186, ClinGen allele CA344950283.
Genomic context (GRCh38, chr1:235,731,175, plus strand): 5'-GGCCCTTCTGTTGGATCCAACTGCCATGAGGTTGGATAGTAGATGGGGTCATACCATACT[G>T]CTCTGCAAGTAAAAAGATTAAAGGGTGTTTTAAGTGACCATCCAGGACTTGTAGCTATAA-3'
Protein context (NP_000072.2, residues 2925-2945): ELIQQLTHDR[Ala2935Glu]VWYDPIYYPT

ClinVar aggregate classification (germline): Uncertain significance. Review status: criteria provided, multiple submitters, no conflicts (2 of 4 stars). 2 submissions from 2 submitters: Uncertain significance (2). Last evaluated 2025-11-19.

Conditions:
Inborn genetic diseases. Identifiers: MedGen C0950123, MeSH D030342.
Chédiak-Higashi syndrome (CHS). Also called: Chediak-Higashi Syndrome. Identifiers: Orphanet 167, MedGen C0007965, MONDO:0008963, OMIM 214500.

Allele frequency attached by ClinVar (database versions not stated): TOPMed 0.00001; gnomAD 0.00002.
gnomAD v4.1: 4 of 1,613,800 alleles (0.00025%); highest among the groups gnomAD compares: African/African-American, 0.0027%; no homozygotes.

Submissions (2):

Ambry Genetics
Classification: Uncertain significance for Inborn genetic diseases. Last evaluated: 2025-11-19. Review status: criteria provided, single submitter. Criteria: Ambry Variant Classification Scheme 2023. Collection method: clinical testing. Allele origin: germline.

Labcorp Genetics (formerly Invitae), Labcorp
Classification: Uncertain significance for Chédiak-Higashi syndrome. Last evaluated: 2022-04-12. Review status: criteria provided, single submitter. Criteria: Invitae Variant Classification Sherloc (09022015). Collection method: clinical testing. Allele origin: germline.
Comment: This sequence change replaces alanine, which is neutral and non-polar, with glutamic acid, which is acidic and polar, at codon 2935 of the LYST protein (p.Ala2935Glu). This variant is not present in population databases (gnomAD no frequency). This variant has not been reported in the literature in individuals affected with LYST-related conditions. Algorithms developed to predict the effect of missense changes on protein structure and function are either unavailable or do not agree on the potential impact of this missense change (SIFT: "Tolerated"; PolyPhen-2: "Possibly Damaging"; Align-GVGD: "Class C0"). In summary, the available evidence is currently insufficient to determine the role of this variant in disease. Therefore, it has been classified as a Variant of Uncertain Significance.